The following is an entry in ClinVar:

NM_007215.4(POLG2):c.1102del (p.His368fs)

Genes: MILR1 (mast cell immunoglobulin like receptor 1; plus strand), POLG2 (DNA polymerase gamma 2, accessory subunit; minus strand). Cytogenetic location: 17q23.3.
Variant type: Deletion.
Coding change: c.1102del on transcript NM_007215.4 (MANE Select); coding-DNA position 1102, one base deleted (C; older notation c.1102delC).
Protein change: p.His368fs; shifts the reading frame from histidine 368.
Molecular consequence: frameshift variant.
Genome position (GRCh38, 1-based): chr17:64,485,736, G deleted on the plus strand (C on the coding strand, the reverse complement: POLG2 is on the minus strand). VCF-style (leftmost placement, unchanged base first): chr17-64485735-TG-T. GRCh37 (hg19) VCF-style: chr17-62481852-TG-T.
Other names: short protein forms H368fs.
Identifiers: ClinVar variation 215033 (VCV000215033.1), dbSNP rs863224172, ClinGen allele CA320747.

ClinVar aggregate classification (germline): Uncertain significance (1 of 4 stars; one submission).

Allele frequency attached by ClinVar (database versions not stated): gnomAD exomes below 0.00001.

Submission:

GeneDx
Classification: Uncertain significance. Last evaluated: 2014-03-13. Review status: criteria provided, single submitter. Criteria: GeneDx Variant Classification (06012015). Collection method: clinical testing. Allele origin: germline. Affected: yes.
Comment: c.1102delC: p.His368IlefsX11 (H368IfsX11) in exon 5 in the POLG2 gene (NM_007215.3). The normal sequence with the base that is deleted in braces is: TCTT{C}ATAG. The c.1102delC varaint causes a frameshift starting with codon Histidine 368, changes this amino acid to an Isoleucine residue and creates a premature Stop codon at position 11 of the new reading frame, denoted p.His368IlefsX11. This variant is predicted to cause loss of normal protein function either through protein truncation or nonsense-mediated mRNA decay. The c.1102delC variant was not observed in approximately 6,500 individuals of European and African American ancestry in the NHLBI Exome Sequencing Project, indicating it is not a common benign variant in these populations. Nevertheless, only one truncating mutation located in the last exon of the POLG2 gene has been reported. We interpret c.1102delC as a variant of unknown significance. The variant is found in POLG2 panel(s).